The following is an entry in ClinVar:

ClinVar aggregate classification (germline): Pathogenic (1 of 4 stars; one submission).

Conditions:
Intellectual disability, autosomal recessive 42 (NEDDSBA). Also called: GLYCOSYLPHOSPHATIDYLINOSITOL BIOSYNTHESIS DEFECT 9; Neurodevelopmental disorder with dysmorphic features, spasticity, and brain abnormalities. Identifiers: Orphanet 88616, MedGen C4014343, MONDO:0014348, OMIM 615802.

Submission:

Labcorp Genetics (formerly Invitae), Labcorp
Classification: Pathogenic for Intellectual disability, autosomal recessive 42. Last evaluated: 2023-11-27. Review status: criteria provided, single submitter. Criteria: Invitae Variant Classification Sherloc (09022015). Collection method: clinical testing. Allele origin: germline.
Comment: This sequence change creates a premature translational stop signal (p.Pro92Leufs*35) in the PGAP1 gene. It is expected to result in an absent or disrupted protein product. Loss-of-function variants in PGAP1 are known to be pathogenic (PMID: 17711852, 26050939, 27848944). This variant is not present in population databases (gnomAD no frequency). This variant has not been reported in the literature in individuals affected with PGAP1-related conditions. ClinVar contains an entry for this variant (Variation ID: 2023072). For these reasons, this variant has been classified as Pathogenic.

Literature cited by the submitters: PubMed 17711852; PubMed 26050939; PubMed 27848944.

NM_024989.4(PGAP1):c.275del (p.Pro92fs)

Gene: PGAP1 (post-GPI attachment to proteins inositol deacylase 1; minus strand). Cytogenetic location: 2q33.1.
Variant type: Deletion.
Coding change: c.275del on transcript NM_024989.4 (MANE Select); coding-DNA position 275, one base deleted (C; older notation c.275delC).
Protein change: p.Pro92fs; shifts the reading frame from proline 92.
Molecular consequence: frameshift variant. On other transcripts: 5 prime UTR variant (2).
Genome position (GRCh38, 1-based): chr2:196,920,023, G deleted on the plus strand (C on the coding strand, the reverse complement: PGAP1 is on the minus strand); the first of 2 consecutive G bases (chr2:196,920,023-196,920,024); deleting either gives the same sequence. VCF-style (leftmost placement, unchanged base first): chr2-196920022-AG-A. GRCh37 (hg19) VCF-style: chr2-197784746-AG-A.
Other names: c.-248del (NM_001321099.2); c.-837del (NM_001321100.2); short protein forms P92fs.
Identifiers: ClinVar variation 2023072 (VCV002023072.4), dbSNP rs2468726625, ClinGen allele CA2580065390.